The following is an entry in ClinVar:

ClinVar aggregate classification (germline): Uncertain significance (1 of 4 stars; one submission).

gnomAD v4.1: 2 of 1,614,224 alleles (0.00012%); highest among the groups gnomAD compares: Non-Finnish European, 0.00017%; no homozygotes.

Submission:

Dasa
Classification: Uncertain significance. Last evaluated: 2025-06-06. Review status: criteria provided, single submitter. Criteria: DASA Assertion Criteria. Collection method: clinical testing. Allele origin: germline.
Comment: NM_001197104.2(KMT2A):c.9404C>A (p.Thr3135Asn) is a missense variant that results in the substitution of threonine with asparagine. This variant is rare in population databases. Computational prediction algorithms are consistent with a benign effect. The currently available literature and clinical evidence are not sufficient to establish a definitive association between this variant and the reported condition. Therefore, this variant is classified as a variant of uncertain significance.

NM_001197104.2(KMT2A):c.9404C>A (p.Thr3135Asn)

Gene: KMT2A (lysine methyltransferase 2A; plus strand). Cytogenetic location: 11q23.3.
Variant type: single nucleotide variant.
Coding change: c.9404C>A on transcript NM_001197104.2 (MANE Select); coding-DNA position 9404, C replaced by A.
Protein change: p.Thr3135Asn; replaces threonine 3135 with asparagine.
Molecular consequence: missense variant.
Genome position (GRCh38, 1-based): chr11:118,505,296, C>A. VCF-style: chr11-118505296-C-A. GRCh37 (hg19) VCF-style: chr11-118376011-C-A.
Other names: c.9494C>A, p.Thr3165Asn (NM_001412597.1); c.9395C>A, p.Thr3132Asn (NM_005933.4); short protein forms T3132N, T3135N, T3165N.
Identifiers: ClinVar variation 4882687 (VCV004882687.2).
Genomic context (GRCh38, chr11:118,505,296, plus strand): 5'-CCAGTGTGATGGAGACAAATACTTCAGTATTGGGACCCATGGGAGGTGGTCTCACCCTTA[C>A]CACAGGACTAAATCCAAGCTTGCCAACTTCTCAATCTTTGTTCCCTTCTGCTAGCAAAGG-3'
Protein context (NP_001184033.1, residues 3125-3145): LGPMGGGLTL[Thr3135Asn]TGLNPSLPTS